The following is an entry in ClinVar:

ClinVar aggregate classification (germline): Uncertain significance (1 of 4 stars; one submission).

Conditions:
Hereditary cancer-predisposing syndrome. Also called: Tumor predisposition; Neoplastic Syndromes, Hereditary; Hereditary Cancer Syndrome; Hereditary neoplastic syndrome. Identifiers: Orphanet 140162, MedGen C0027672, MeSH D009386, MONDO:0015356.

Submission:

Ambry Genetics
Classification: Uncertain significance for Hereditary cancer-predisposing syndrome. Last evaluated: 2022-04-06. Review status: criteria provided, single submitter. Criteria: Ambry Variant Classification Scheme 2023. Collection method: clinical testing. Allele origin: germline.
Comment: The p.I1076L variant (also known as c.3226A>C), located in coding exon 19 of the PTCH1 gene, results from an A to C substitution at nucleotide position 3226. The isoleucine at codon 1076 is replaced by leucine, an amino acid with highly similar properties. This amino acid position is conserved. In addition, this alteration is predicted to be deleterious by in silico analysis. Since supporting evidence is limited at this time, the clinical significance of this alteration remains unclear.

NM_000264.5(PTCH1):c.3226A>C (p.Ile1076Leu)

Gene: PTCH1 (patched 1; minus strand). Cytogenetic location: 9q22.32.
Variant type: single nucleotide variant.
Coding change: c.3226A>C on transcript NM_000264.5 (MANE Select); coding-DNA position 3226, A replaced by C.
Protein change: p.Ile1076Leu; replaces isoleucine 1076 with leucine.
Molecular consequence: missense variant. On other transcripts: non-coding transcript variant (1).
Genome position (GRCh38, 1-based): chr9:95,456,356, T>G on the plus strand (A>C on the coding strand, the complement: PTCH1 is on the minus strand). VCF-style: chr9-95456356-T-G. GRCh37 (hg19) VCF-style: chr9-98218638-T-G.
Other names: c.3028A>C, p.Ile1010Leu (NM_001083602.3); c.3223A>C, p.Ile1075Leu (NM_001083603.3); c.2773A>C, p.Ile925Leu (NM_001083604.3, NM_001083605.3, NM_001083606.3 and 1 more transcripts); c.3070A>C, p.Ile1024Leu (NM_001354918.2); short protein forms I1010L, I1076L, I1024L, I1075L, I925L.
Identifiers: ClinVar variation 1729120 (VCV001729120.2), dbSNP rs753833857, ClinGen allele CA374112115.